The following is an entry in ClinVar:

ClinVar aggregate classification (germline): Uncertain significance (1 of 4 stars; one submission).

Conditions:
Familial isolated arrhythmogenic right ventricular dysplasia. Identifiers: Orphanet 217656, MedGen C4274968, MONDO:0016342.

gnomAD v4.1: 4 of 1,613,130 alleles (0.00025%); highest among the groups gnomAD compares: Middle Eastern, 0.017%; no homozygotes.

Submission:

All of Us Research Program, National Institutes of Health
Classification: Uncertain significance for Familial isolated arrhythmogenic right ventricular dysplasia. Last evaluated: 2024-03-24. Review status: criteria provided, single submitter. Criteria: ACMG Guidelines, 2015. Collection method: clinical testing. Allele origin: germline. Inheritance: Autosomal dominant inheritance. Observed: 1 variant allele, 1 heterozygote.
Comment: This missense variant replaces isoleucine with valine at codon 109 of the DSC2 protein. Computational prediction suggests that this variant may not impact protein structure and function (internally defined REVEL score threshold <= 0.5, PMID: 27666373). To our knowledge, functional studies have not been reported for this variant. This variant has not been reported in individuals affected with DSC2-related disorders in the literature. This variant has not been identified in the general population by the Genome Aggregation Database (gnomAD). The available evidence is insufficient to determine the role of this variant in disease conclusively. Therefore, this variant is classified as a Variant of Uncertain Significance.

This study involves interpretation of variants in research participants for the purpose of population health screening. Participant phenotype was not available at the time of variant classification. Additional details can be found in publication PMID: 35346344, PMCID: PMC8962531

NM_024422.6(DSC2):c.325A>G (p.Ile109Val)

Gene: DSC2 (desmocollin 2; minus strand). Cytogenetic location: 18q12.1.
Variant type: single nucleotide variant.
Coding change: c.325A>G on transcript NM_024422.6 (MANE Select); coding-DNA position 325, A replaced by G.
Protein change: p.Ile109Val; replaces isoleucine 109 with valine.
Molecular consequence: missense variant. On other transcripts: 5 prime UTR variant (2).
Genome position (GRCh38, 1-based): chr18:31,092,130, T>C on the plus strand (A>G on the coding strand, the complement: DSC2 is on the minus strand). VCF-style: chr18-31092130-T-C. GRCh37 (hg19) VCF-style: chr18-28672093-T-C.
Other names: c.-105A>G (NM_001406506.1, NM_001406507.1); c.325A>G, p.Ile109Val (NM_004949.5); short protein forms I109V.
Identifiers: ClinVar variation 3386553 (VCV003386553.1).